The following is an entry in ClinVar:

NM_014855.3(AP5Z1):c.1897G>A (p.Val633Met)

Gene: AP5Z1 (adaptor related protein complex 5 subunit zeta 1; plus strand). Cytogenetic location: 7p22.1.
Variant type: single nucleotide variant.
Coding change: c.1897G>A on transcript NM_014855.3 (MANE Select); coding-DNA position 1897, G replaced by A.
Protein change: p.Val633Met; replaces valine 633 with methionine.
Molecular consequence: missense variant. On other transcripts: non-coding transcript variant (1).
Genome position (GRCh38, 1-based): chr7:4,790,550, G>A. VCF-style: chr7-4790550-G-A. GRCh37 (hg19) VCF-style: chr7-4830181-G-A.
Other names: c.1429G>A, p.Val477Met (NM_001364858.1); c.1897G>A (NM_014855.2); short protein forms V633M, V477M.
Identifiers: ClinVar variation 2162513 (VCV002162513.2), dbSNP rs371379357, ClinGen allele CA4138171.

ClinVar aggregate classification (germline): Uncertain significance. Review status: criteria provided, multiple submitters, no conflicts (2 of 4 stars). 2 submissions from 2 submitters: Uncertain significance (2). Last evaluated 2022-07-29.

Conditions:
Hereditary spastic paraplegia 48. Also called: SPASTIC PARAPLEGIA 48, AUTOSOMAL RECESSIVE; Spastic paraplegia 48. Identifiers: Orphanet 306511, MedGen C3150901, MONDO:0013342, OMIM 613647.
Inborn genetic diseases. Identifiers: MedGen C0950123, MeSH D030342.

Allele frequency attached by ClinVar (database versions not stated): TOPMed 0.00002; ExAC 0.00003; gnomAD 0.00004; ESP Exome Variant Server 0.00008.

Submissions (2):

Labcorp Genetics (formerly Invitae), Labcorp
Classification: Uncertain significance for Hereditary spastic paraplegia 48. Last evaluated: 2022-07-29. Review status: criteria provided, single submitter. Criteria: Invitae Variant Classification Sherloc (09022015). Collection method: clinical testing. Allele origin: germline.
Comment: This sequence change replaces valine, which is neutral and non-polar, with methionine, which is neutral and non-polar, at codon 633 of the AP5Z1 protein (p.Val633Met). This variant is present in population databases (rs371379357, gnomAD 0.006%). This variant has not been reported in the literature in individuals affected with AP5Z1-related conditions. Algorithms developed to predict the effect of missense changes on protein structure and function output the following: SIFT: "Deleterious"; PolyPhen-2: "Benign"; Align-GVGD: "Class C0". The methionine amino acid residue is found in multiple mammalian species, which suggests that this missense change does not adversely affect protein function. In summary, the available evidence is currently insufficient to determine the role of this variant in disease. Therefore, it has been classified as a Variant of Uncertain Significance.

Ambry Genetics
Classification: Uncertain significance for Inborn genetic diseases. Last evaluated: 2021-08-02. Review status: criteria provided, single submitter. Criteria: Ambry Variant Classification Scheme 2023. Collection method: clinical testing. Allele origin: germline.